The following is an entry in ClinVar:

NM_000368.5(TSC1):c.2448G>A (p.Lys816=)

Gene: TSC1 (TSC complex subunit 1; minus strand). Cytogenetic location: 9q34.13.
Variant type: single nucleotide variant.
Coding change: c.2448G>A on transcript NM_000368.5 (MANE Select); coding-DNA position 2448, G replaced by A.
Protein change: p.Lys816=; no amino-acid change (lysine 816 retained).
Molecular consequence: synonymous variant.
Genome position (GRCh38, 1-based): chr9:132,901,643, C>T on the plus strand (G>A on the coding strand, the complement: TSC1 is on the minus strand). VCF-style: chr9-132901643-C-T. GRCh37 (hg19) VCF-style: chr9-135777030-C-T.
Other names: c.2445G>A, p.Lys815= (NM_001162426.2); c.2295G>A, p.Lys765= (NM_001162427.2); c.2085G>A, p.Lys695= (NM_001362177.2).
Identifiers: ClinVar variation 751396 (VCV000751396.18), dbSNP rs1588299142, ClinGen allele CA467590458.

ClinVar aggregate classification (germline): Benign/Likely benign. Review status: criteria provided, multiple submitters, no conflicts (2 of 4 stars). 6 submissions from 6 submitters: Benign (2); Likely benign (4). Last evaluated 2025-04-25.

Conditions:
Tuberous sclerosis 1 (TSC1). Identifiers: Orphanet 805, MedGen C1854465, MONDO:0008612, OMIM 191100.
Hereditary cancer-predisposing syndrome. Also called: Tumor predisposition; Hereditary Cancer Syndrome; Neoplastic Syndromes, Hereditary; Hereditary neoplastic syndrome. Identifiers: Orphanet 140162, MedGen C0027672, MeSH D009386, MONDO:0015356.

Allele frequency attached by ClinVar (database versions not stated): TOPMed below 0.00001.

Submissions (6):

Myriad Genetics, Inc.
Classification: Benign for Tuberous sclerosis 1. Last evaluated: 2025-04-25. Review status: criteria provided, single submitter. Criteria: Myriad Autosomal Dominant, Autosomal Recessive and X-Linked Classification Criteria (2023). Collection method: clinical testing. Allele origin: unknown.
Comment: This variant is considered benign. This variant is a silent/synonymous amino acid change and it is not expected to impact splicing.

Women's Health and Genetics/Laboratory Corporation of America, LabCorp
Classification: Likely benign. Last evaluated: 2024-09-19. Review status: criteria provided, single submitter. Criteria: LabCorp Variant Classification Summary - May 2015. Collection method: clinical testing. Allele origin: germline.

Labcorp Genetics (formerly Invitae), Labcorp
Classification: Likely benign for Tuberous sclerosis 1. Last evaluated: 2022-08-19. Review status: criteria provided, single submitter. Criteria: Invitae Variant Classification Sherloc (09022015). Collection method: clinical testing. Allele origin: germline.

Ambry Genetics
Classification: Likely benign for Hereditary cancer-predisposing syndrome. Last evaluated: 2022-05-27. Review status: criteria provided, single submitter. Criteria: Ambry Variant Classification Scheme 2023. Collection method: clinical testing. Allele origin: germline.

Genome-Nilou Lab
Classification: Benign for Tuberous sclerosis 1. Last evaluated: 2021-11-07. Review status: criteria provided, single submitter. Criteria: ACMG Guidelines, 2015. Collection method: clinical testing. Allele origin: germline. Affected: no.

GeneDx
Classification: Likely benign. Last evaluated: 2021-10-18. Review status: criteria provided, single submitter. Criteria: GeneDx Variant Classification Process June 2021. Collection method: clinical testing. Allele origin: germline. Affected: yes.